The following is an entry in ClinVar:

ClinVar aggregate classification (germline): Benign/Likely benign. Review status: criteria provided, multiple submitters, no conflicts (2 of 4 stars). 3 submissions from 3 submitters: Benign (1); Likely benign (1). 1 of the submissions does not count toward it. Last evaluated 2025-12-15.

Conditions:
ABL1-related disorder. Also called: ABL1-related condition.

Allele frequency attached by ClinVar (database versions not stated): gnomAD 0.00003 and 0.00017; ESP Exome Variant Server 0.00008; TOPMed 0.00009; gnomAD exomes 0.00030; ExAC 0.00042; 1000 Genomes Project 30x 0.00172; 1000 Genomes Project 0.00220.
gnomAD v4.1: 321 of 1,613,334 alleles (0.02%); highest among the groups gnomAD compares: South Asian, 0.24%; 2 homozygotes.

Submissions (3):

Labcorp Genetics (formerly Invitae), Labcorp
Classification: Benign. Last evaluated: 2025-12-15. Review status: criteria provided, single submitter. Criteria: Invitae Variant Classification Sherloc (09022015). Collection method: clinical testing. Allele origin: germline.

Blueprint Genetics
Classification: Likely benign. Last evaluated: 2024-11-08. Review status: criteria provided, single submitter. Criteria: ACMG Guidelines, 2015. Collection method: clinical testing. Allele origin: germline.

PreventionGenetics, part of Exact Sciences
Classification: Likely benign for ABL1-related condition. Last evaluated: 2020-05-07. Review status: no assertion criteria provided. Collection method: clinical testing. Allele origin: germline. Not counted in ClinVar's aggregate classification.
Comment: This variant is classified as likely benign based on ACMG/AMP sequence variant interpretation guidelines (Richards et al. 2015 PMID: 25741868, with internal and published modifications).

NM_005157.6(ABL1):c.2883G>A (p.Pro961=)

Gene: ABL1 (ABL proto-oncogene 1, non-receptor tyrosine kinase; plus strand). Cytogenetic location: 9q34.12.
Variant type: single nucleotide variant.
Coding change: c.2883G>A on transcript NM_005157.6 (MANE Select); coding-DNA position 2883, G replaced by A.
Protein change: p.Pro961=; no amino-acid change (proline 961 retained).
Molecular consequence: synonymous variant.
Genome position (GRCh38, 1-based): chr9:130,885,173, G>A. VCF-style: chr9-130885173-G-A. GRCh37 (hg19) VCF-style: chr9-133760560-G-A.
Other names: c.2940G>A (NM_007313.2); c.2940G>A, p.Pro980= (NM_007313.3).
Identifiers: ClinVar variation 1536286 (VCV001536286.11), dbSNP rs369358882, ClinGen allele CA5285799.